The following is an entry in ClinVar:

NM_152564.5(VPS13B):c.7364G>C (p.Cys2455Ser)

Gene: VPS13B (vacuolar protein sorting 13 homolog B; plus strand). Cytogenetic location: 8q22.2.
Variant type: single nucleotide variant.
Coding change: c.7364G>C on transcript NM_152564.5 (MANE Select); coding-DNA position 7364, G replaced by C.
Protein change: p.Cys2455Ser; replaces cysteine 2455 with serine.
Molecular consequence: missense variant.
Genome position (GRCh38, 1-based): chr8:99,776,891, G>C. VCF-style: chr8-99776891-G-C. GRCh37 (hg19) VCF-style: chr8-100789119-G-C.
Other names: c.7439G>C, p.Cys2480Ser (NM_017890.5); short protein forms C2455S, C2480S.
Identifiers: ClinVar variation 3353827 (VCV003353827.1).

ClinVar aggregate classification (germline): Uncertain significance (0 of 4 stars; one submission).

Conditions:
VPS13B-related disorder. Also called: VPS13B-related condition.

gnomAD v4.1: 12 of 1,614,024 alleles (0.00074%); highest among the groups gnomAD compares: Non-Finnish European, 0.001%; no homozygotes.

Submission:

PreventionGenetics, part of Exact Sciences
Classification: Uncertain significance for VPS13B-related condition. Last evaluated: 2024-09-16. Review status: no assertion criteria provided. Collection method: clinical testing. Allele origin: germline.
Comment: The VPS13B c.7364G>C variant is predicted to result in the amino acid substitution p.Cys2455Ser. To our knowledge, this variant has not been reported in the literature. This variant is reported in 0.0044% of alleles in individuals of European (Non-Finnish) descent in gnomAD. At this time, the clinical significance of this variant is uncertain due to the absence of conclusive functional and genetic evidence.